The following is an entry in ClinVar:

ClinVar aggregate classification (germline): Likely pathogenic (1 of 4 stars; one submission).

Conditions:
Corneal dystrophy-perceptive deafness syndrome (CDPD). Also called: CORNEAL DYSTROPHY AND SENSORINEURAL DEAFNESS; HARBOYAN SYNDROME. Identifiers: Orphanet 1490, MedGen C1857572, MONDO:0009015, OMIM 217400.

Submission:

Natera, Inc.
Classification: Likely pathogenic for Corneal dystrophy-perceptive deafness syndrome. Last evaluated: 2024-07-16. Review status: criteria provided, single submitter. Criteria: Natera Variant Classification Schema (03/2026). Collection method: clinical testing. Allele origin: germline.
Comment: The c.1065del variant in SLC4A11 is a frameshift variant predicted to shift the reading frame beginning at codon 356 and leads to a stop codon 56 codons downstream. This variant is expected to result in nonsense mediated decay, truncation, or a dysfunctional protein product. This variant is rare in the general population with a frequency below the threshold expected for the associated phenotype(s). Given the available evidence, this variant is classified as Likely Pathogenic.

NM_001174089.2(SLC4A11):c.1017del (p.Leu340fs)

Gene: SLC4A11 (solute carrier family 4 member 11; minus strand). Cytogenetic location: 20p13.
Variant type: Deletion.
Coding change: c.1017del on transcript NM_001174089.2 (MANE Select); coding-DNA position 1017, one base deleted (C; older notation c.1017delC).
Protein change: p.Leu340fs; shifts the reading frame from leucine 340.
Molecular consequence: frameshift variant. On other transcripts: non-coding transcript variant (3).
Genome position (GRCh38, 1-based): chr20:3,231,174, G deleted on the plus strand (C on the coding strand, the reverse complement: SLC4A11 is on the minus strand); the first of 4 consecutive G bases (chr20:3,231,174-3,231,177); deleting any one gives the same sequence. VCF-style (leftmost placement, unchanged base first): chr20-3231173-AG-A. GRCh37 (hg19) VCF-style: chr20-3211819-AG-A.
Other names: c.1146del, p.Leu383fs (NM_001174090.2, NM_001400280.1); c.1017del, p.Leu340fs (NM_001363745.2); c.960del, p.Leu321fs (NM_001400277.1, NM_001400278.1, NM_001400279.1); c.1065del, p.Leu356fs (NM_032034.4); short protein forms L321fs, L340fs, L356fs, L383fs.
Identifiers: ClinVar variation 4816295 (VCV004816295.1).